The following is an entry in ClinVar:

NM_004320.6(ATP2A1):c.238G>A (p.Glu80Lys)

Gene: ATP2A1 (ATPase sarcoplasmic/endoplasmic reticulum Ca2+ transporting 1; plus strand). Cytogenetic location: 16p11.2.
Variant type: single nucleotide variant.
Coding change: c.238G>A on transcript NM_004320.6 (MANE Select); coding-DNA position 238, G replaced by A.
Protein change: p.Glu80Lys; replaces glutamic acid 80 with lysine.
Molecular consequence: missense variant. On other transcripts: 5 prime UTR variant (1).
Genome position (GRCh38, 1-based): chr16:28,880,933, G>A. VCF-style: chr16-28880933-G-A. GRCh37 (hg19) VCF-style: chr16-28892254-G-A.
Other names: c.-138G>A (NM_001286075.2); c.238G>A, p.Glu80Lys (NM_173201.5); short protein forms E80K.
Identifiers: ClinVar variation 3673054 (VCV003673054.2).

ClinVar aggregate classification (germline): Uncertain significance (1 of 4 stars; one submission).

Conditions:
Brody myopathy. Also called: BRODY DISEASE. Identifiers: Orphanet 53347, MedGen C1832918, MONDO:0010977, OMIM 601003.

Submission:

Labcorp Genetics (formerly Invitae), Labcorp
Classification: Uncertain significance for Brody myopathy. Last evaluated: 2025-11-04. Review status: criteria provided, single submitter. Criteria: Invitae Variant Classification Sherloc (09022015). Collection method: clinical testing. Allele origin: germline.
Comment: This sequence change replaces glutamic acid, which is acidic and polar, with lysine, which is basic and polar, at codon 80 of the ATP2A1 protein (p.Glu80Lys). This variant is not present in population databases (gnomAD no frequency). This variant has not been reported in the literature in individuals affected with ATP2A1-related conditions. ClinVar contains an entry for this variant (Variation ID: 3673054). An algorithm developed to predict the effect of missense changes on protein structure and function (PolyPhen-2) suggests that this variant is likely to be tolerated. In summary, the available evidence is currently insufficient to determine the role of this variant in disease. Therefore, it has been classified as a Variant of Uncertain Significance.